The following is an entry in ClinVar:

ClinVar aggregate classification (germline): Uncertain significance (1 of 4 stars; one submission).

Conditions:
Familial thoracic aortic aneurysm and aortic dissection (TAAD). Also called: Thoracic aortic aneurysms and dissections. Identifiers: Orphanet 91387, MedGen C4707243, MONDO:0019625.

Submission:

All of Us Research Program, National Institutes of Health
Classification: Uncertain significance for Familial thoracic aortic aneurysm and aortic dissection. Last evaluated: 2023-08-15. Review status: criteria provided, single submitter. Criteria: ACMG Guidelines, 2015. Collection method: clinical testing. Allele origin: germline. Inheritance: Autosomal dominant inheritance. Observed: 1 variant allele, 1 heterozygote.
Comment: This missense variant replaces alanine with valine at codon 274 of the ACTA2 protein. Computational prediction is inconclusive regarding the impact of this variant on protein structure and function (internally defined REVEL score threshold 0.5 < inconclusive < 0.7, PMID: 27666373). To our knowledge, functional studies have not been reported for this variant. This variant has not been reported in individuals affected with ACTA2-related disorders in the literature. This variant has not been identified in the general population by the Genome Aggregation Database (gnomAD). The available evidence is insufficient to determine the role of this variant in disease conclusively. Therefore, this variant is classified as a Variant of Uncertain Significance.

This study involves interpretation of variants in research participants for the purpose of population health screening. Participant phenotype was not available at the time of variant classification. Additional details can be found in publication PMID: 35346344, PMCID: PMC8962531

NM_001613.4(ACTA2):c.821C>T (p.Ala274Val)

Genes: ACTA2 (actin alpha 2, smooth muscle; minus strand), ACTA2-AS1 (ACTA2 antisense RNA 1; plus strand). Cytogenetic location: 10q23.31.
Variant type: single nucleotide variant.
Coding change: c.821C>T on transcript NM_001613.4 (MANE Select); coding-DNA position 821, C replaced by T.
Protein change: p.Ala274Val; replaces alanine 274 with valine.
Molecular consequence: missense variant. On other transcripts: non-coding transcript variant (1).
Genome position (GRCh38, 1-based): chr10:88,938,230, G>A on the plus strand (C>T on the coding strand, the complement: ACTA2 is on the minus strand). VCF-style: chr10-88938230-G-A. GRCh37 (hg19) VCF-style: chr10-90697987-G-A.
Other names: c.821C>T, p.Ala274Val (NM_001141945.3, NM_001320855.2, NM_001406462.1 and 2 more transcripts); c.710C>T, p.Ala237Val (NM_001406466.1); c.692C>T, p.Ala231Val (NM_001406467.1, NM_001406468.1, NM_001406469.1); c.629C>T, p.Ala210Val (NM_001406471.1); short protein forms A210V, A231V, A237V, A274V.
Identifiers: ClinVar variation 3072721 (VCV003072721.1), dbSNP rs2494520130, ClinGen allele CA377511022.